The following is an entry in ClinVar:

NM_000238.4(KCNH2):c.1242C>T (p.Ile414=)

Gene: KCNH2 (potassium voltage-gated channel subfamily H member 2; minus strand). Cytogenetic location: 7q36.1.
Variant type: single nucleotide variant.
Coding change: c.1242C>T on transcript NM_000238.4 (MANE Select); coding-DNA position 1242, C replaced by T.
Protein change: p.Ile414=; no amino-acid change (isoleucine 414 retained).
Molecular consequence: synonymous variant. On other transcripts: non-coding transcript variant (2).
Genome position (GRCh38, 1-based): chr7:150,952,740, G>A on the plus strand (C>T on the coding strand, the complement: KCNH2 is on the minus strand). VCF-style: chr7-150952740-G-A. GRCh37 (hg19) VCF-style: chr7-150649828-G-A.
Other names: c.222C>T, p.Ile74= (NM_001204798.2, NM_172057.3); c.954C>T, p.Ile318= (NM_001406753.1, NM_001406756.1); c.1065C>T, p.Ile355= (NM_001406755.1); c.942C>T, p.Ile314= (NM_001406757.1); c.1242C>T, p.Ile414= (NM_172056.3).
Identifiers: ClinVar variation 927212 (VCV000927212.17), dbSNP rs766849710, ClinGen allele CA027465.

ClinVar aggregate classification (germline): Likely benign. Review status: criteria provided, multiple submitters, no conflicts (2 of 4 stars). 5 submissions from 5 submitters: Likely benign (5). Last evaluated 2025-10-21.

Conditions:
Cardiac arrhythmia. Also called: Cardiac rhythm disease; Arrhythmia. Identifiers: MedGen C0003811, MONDO:0007263, HP:0011675.
Long QT syndrome (LQTS). Identifiers: MedGen C0023976, MeSH D008133, MONDO:0002442. Disease mechanism: loss of function. Inheritance: Various modes of inheritance.
Cardiovascular phenotype. Identifiers: MedGen CN230736.

Allele frequency attached by ClinVar (database versions not stated): gnomAD exomes below 0.00001; TOPMed below 0.00001; ExAC 0.00001.

Submissions (5):

Labcorp Genetics (formerly Invitae), Labcorp
Classification: Likely benign for Long QT syndrome. Last evaluated: 2025-10-21. Review status: criteria provided, single submitter. Criteria: Invitae Variant Classification Sherloc (09022015). Collection method: clinical testing. Allele origin: germline.

All of Us Research Program, National Institutes of Health
Classification: Likely benign for Long QT syndrome. Last evaluated: 2023-08-15. Review status: criteria provided, single submitter. Criteria: ACMG Guidelines, 2015. Collection method: clinical testing. Allele origin: germline. Inheritance: Autosomal dominant inheritance. Observed: 1 variant allele, 1 heterozygote.
Comment: This study involves interpretation of variants in research participants for the purpose of population health screening. Participant phenotype was not available at the time of variant classification. Additional details can be found in publication PMID: 35346344, PMCID: PMC8962531

Blueprint Genetics
Classification: Likely benign. Last evaluated: 2021-08-04. Review status: criteria provided, single submitter. Criteria: ACMG Guidelines, 2015. Collection method: clinical testing. Allele origin: germline.

Ambry Genetics
Classification: Likely benign for Cardiovascular phenotype. Last evaluated: 2019-09-13. Review status: criteria provided, single submitter. Criteria: Ambry Variant Classification Scheme 2023. Collection method: clinical testing. Allele origin: germline.

Color Diagnostics, LLC DBA Color Health
Classification: Likely benign for Arrhythmia. Last evaluated: 2019-07-02. Review status: criteria provided, single submitter. Criteria: ACMG Guidelines, 2015. Collection method: clinical testing. Allele origin: germline.